The following is an entry in ClinVar:

NM_001271938.2(MEGF8):c.6394C>T (p.Arg2132Trp)

Gene: MEGF8 (multiple EGF like domains 8; plus strand). Cytogenetic location: 19q13.2.
Variant type: single nucleotide variant.
Coding change: c.6394C>T on transcript NM_001271938.2 (MANE Select); coding-DNA position 6394, C replaced by T.
Protein change: p.Arg2132Trp; replaces arginine 2132 with tryptophan.
Molecular consequence: missense variant.
Genome position (GRCh38, 1-based): chr19:42,368,575, C>T. VCF-style: chr19-42368575-C-T. GRCh37 (hg19) VCF-style: chr19-42872727-C-T.
Other names: c.6193C>T, p.Arg2065Trp (NM_001410.3); short protein forms R2132W, R2065W.
Identifiers: ClinVar variation 2599194 (VCV002599194.4), dbSNP rs371194840, ClinGen allele CA9475849.

ClinVar aggregate classification (germline): Uncertain significance. Review status: criteria provided, multiple submitters, no conflicts (2 of 4 stars). 3 submissions from 3 submitters: Uncertain significance (3). Last evaluated 2026-01-21.

Conditions:
MEGF8-related Carpenter syndrome. Also called: Carpenter syndrome 2. Identifiers: Orphanet 65759, MedGen C3554247, MONDO:0013998, OMIM 614976.
Inborn genetic diseases. Identifiers: MedGen C0950123, MeSH D030342.

Allele frequency attached by ClinVar (database versions not stated): TOPMed 0.00002; gnomAD 0.00005; ExAC 0.00007; ESP Exome Variant Server 0.00008; 1000 Genomes Project 30x 0.00016; 1000 Genomes Project 0.00020.
gnomAD v4.1: 29 of 1,586,918 alleles (0.0018%); highest among the groups gnomAD compares: Middle Eastern, 0.033%; no homozygotes.

Submissions (3):

GeneDx
Classification: Uncertain significance. Last evaluated: 2026-01-21. Review status: criteria provided, single submitter. Criteria: GeneDx Variant Classification Process June 2021. Collection method: clinical testing. Allele origin: germline.
Comment: In silico analysis supports that this missense variant has a deleterious effect on protein structure/function; Has not been previously published as pathogenic or benign to our knowledge

Labcorp Genetics (formerly Invitae), Labcorp
Classification: Uncertain significance for MEGF8-related Carpenter syndrome. Last evaluated: 2026-01-12. Review status: criteria provided, single submitter. Criteria: Invitae Variant Classification Sherloc (09022015). Collection method: clinical testing. Allele origin: germline.
Comment: This sequence change replaces arginine, which is basic and polar, with tryptophan, which is neutral and slightly polar, at codon 2065 of the MEGF8 protein (p.Arg2065Trp). The frequency data for this variant in the population databases is considered unreliable, as metrics indicate poor data quality at this position in the gnomAD database. This variant has not been reported in the literature in individuals affected with MEGF8-related conditions. ClinVar contains an entry for this variant (Variation ID: 2599194). An algorithm developed to predict the effect of missense changes on protein structure and function outputs the following: PolyPhen-2: "Possibly Damaging". The tryptophan amino acid residue is found in multiple mammalian species, which suggests that this missense change does not adversely affect protein function. In summary, the available evidence is currently insufficient to determine the role of this variant in disease. Therefore, it has been classified as a Variant of Uncertain Significance.

Ambry Genetics
Classification: Uncertain significance for Inborn genetic diseases. Last evaluated: 2023-07-11. Review status: criteria provided, single submitter. Criteria: Ambry Variant Classification Scheme 2023. Collection method: clinical testing. Allele origin: germline.